The following is an entry in ClinVar:

NM_001844.5(COL2A1):c.4068dup (p.Phe1357fs)

Gene: COL2A1 (collagen type II alpha 1 chain; minus strand). Cytogenetic location: 12q13.11.
Variant type: Duplication.
Coding change: c.4068dup on transcript NM_001844.5 (MANE Select); coding-DNA position 4068, one base duplicated (C; older notation c.4068dupC).
Protein change: p.Phe1357fs; shifts the reading frame from phenylalanine 1357.
Molecular consequence: frameshift variant.
Genome position (GRCh38, 1-based): chr12:47,974,681, G duplicated on the plus strand (C on the coding strand, the reverse complement: COL2A1 is on the minus strand). VCF-style (leftmost placement, unchanged base first): chr12-47974680-A-AG. GRCh37 (hg19) VCF-style: chr12-48368463-A-AG.
Other names: c.3861dup, p.Phe1288fs (NM_033150.3); short protein forms F1288fs, F1357fs.
Identifiers: ClinVar variation 1206600 (VCV001206600.3), dbSNP rs2136508009, ClinGen allele CA2499221646.

ClinVar aggregate classification (germline): Pathogenic (1 of 4 stars; one submission).

Submission:

GeneDx
Classification: Pathogenic. Last evaluated: 2019-10-03. Review status: criteria provided, single submitter. Criteria: GeneDx Variant Classification Process June 2021. Collection method: clinical testing. Allele origin: germline. Affected: yes.
Comment: Has not been previously published as pathogenic or benign to our knowledge; Not observed in large population cohorts (Lek et al., 2016); Frameshift variant predicted to result in protein truncation or nonsense mediated decay in a gene for which loss-of-function is a known mechanism of disease